The following is an entry in ClinVar:

ClinVar aggregate classification (germline): Likely benign (0 of 4 stars; one submission).

Conditions:
FBLN1-related disorder. Also called: FBLN1-related condition.

Allele frequency attached by ClinVar (database versions not stated): 1000 Genomes Project 0.00020; TOPMed 0.00027; ExAC 0.00029; 1000 Genomes Project 30x 0.00031; ESP Exome Variant Server 0.00031; gnomAD 0.00033; gnomAD exomes 0.00035.
gnomAD v4.1: 553 of 1,614,172 alleles (0.034%); highest among the groups gnomAD compares: Non-Finnish European, 0.042%; no homozygotes.

Submission:

PreventionGenetics, part of Exact Sciences
Classification: Likely benign for FBLN1-related condition. Last evaluated: 2021-10-06. Review status: no assertion criteria provided. Collection method: clinical testing. Allele origin: germline.
Comment: This variant is classified as likely benign based on ACMG/AMP sequence variant interpretation guidelines (Richards et al. 2015 PMID: 25741868, with internal and published modifications).

NM_006486.3(FBLN1):c.1080C>T (p.Cys360=)

Gene: FBLN1 (fibulin 1; plus strand). Cytogenetic location: 22q13.31.
Variant type: single nucleotide variant.
Coding change: c.1080C>T on transcript NM_006486.3 (MANE Select); coding-DNA position 1080, C replaced by T.
Protein change: p.Cys360=; no amino-acid change (cysteine 360 retained).
Molecular consequence: synonymous variant.
Genome position (GRCh38, 1-based): chr22:45,542,168, C>T. VCF-style: chr22-45542168-C-T. GRCh37 (hg19) VCF-style: chr22-45938048-C-T.
Other names: c.1080C>T, p.Cys360= (NM_001996.4, NM_006485.4, NM_006487.3).
Identifiers: ClinVar variation 3051729 (VCV003051729.2), dbSNP rs138497040, ClinGen allele CA10286810.